The following is an entry in ClinVar:

NM_007194.4(CHEK2):c.319+2T>A

Gene: CHEK2 (checkpoint kinase 2; minus strand). Cytogenetic location: 22q12.1.
Variant type: single nucleotide variant.
Coding change: c.319+2T>A on transcript NM_007194.4 (MANE Select); the canonical splice donor site of the intron after coding-DNA position 319, T replaced by A.
Molecular consequence: splice donor variant. On other transcripts: intron variant (1).
Genome position (GRCh38, 1-based): chr22:28,734,401, A>T on the plus strand (T>A on the coding strand, the complement: CHEK2 is on the minus strand). VCF-style: chr22-28734401-A-T. GRCh37 (hg19) VCF-style: chr22-29130389-A-T.
Other names: c.319+2T>A (NM_001438293.1, NM_001438294.1, NM_001005735.3 and 3 more transcripts); c.-345+7368T>A (NM_001437942.1); c.-459+2T>A (NM_001257387.3).
Identifiers: ClinVar variation 142352 (VCV000142352.95), dbSNP rs587782401, ClinGen allele CA294375.

ClinVar aggregate classification (germline): Pathogenic/Likely pathogenic. Review status: criteria provided, multiple submitters, no conflicts (2 of 4 stars). 22 submissions from 22 submitters: Pathogenic (9); Likely pathogenic (11). 2 of the submissions do not count toward it. Last evaluated 2025-12-29.

Conditions:
Breast cancer, susceptibility to. Identifiers: MedGen C3469522. Disease mechanism: gain of function.
Prostate cancer susceptibility. Also called: PROSTATE CANCER, SUSCEPTIBILITY TO. Identifiers: MedGen C3469524.
CHEK2-related disorder.
Familial cancer of breast. Also called: Hereditary breast cancer; hereditary breast carcinoma; BREAST CANCER, FAMILIAL. Identifiers: Orphanet 227535, MedGen C0346153, MONDO:0016419, OMIM 114480. Disease mechanism: loss of function.
CHEK2-related cancer predisposition (TPDS4). Also called: TUMOR PREDISPOSITION SYNDROME 4; CANCER PREDISPOSITION SYNDROME, CHEK2-RELATED; CHEK2-related cancer susceptibility. Identifiers: Orphanet 524, MedGen C5882668, MONDO:0700271, OMIM 609265.
Bone osteosarcoma. Also called: Osteosarcoma, somatic. Identifiers: Orphanet 668, MedGen C0585442, MONDO:0002629, OMIM 259500.
Prostate cancer. Also called: Malignant tumor of prostate. Identifiers: Orphanet 1331, MedGen C0376358, MONDO:0008315, HP:0012125.
Hereditary cancer-predisposing syndrome. Also called: Tumor predisposition; Hereditary neoplastic syndrome; Hereditary Cancer Syndrome; Neoplastic Syndromes, Hereditary. Identifiers: Orphanet 140162, MedGen C0027672, MeSH D009386, MONDO:0015356.
Malignant tumor of breast. Also called: Cancer breast; Malignant breast neoplasm. Identifiers: MedGen C0006142, MONDO:0007254. Disease mechanism: loss of function.

Allele frequency attached by ClinVar (database versions not stated): TOPMed below 0.00001; ExAC 0.00006; gnomAD 0.00009.
gnomAD v4.1: 75 of 1,613,644 alleles (0.0046%); highest among the groups gnomAD compares: Non-Finnish European, 0.002%; no homozygotes.

Submissions 1 to 8 of 22:

Center for Genomic Medicine, Rigshospitalet, Copenhagen University Hospital
Classification: Pathogenic. Last evaluated: 2025-12-29. Review status: criteria provided, single submitter. Criteria: ACMG Guidelines, 2015. Collection method: clinical testing. Allele origin: germline.
Comment: Classification criteria: PVS1, PS4

Labcorp Genetics (formerly Invitae), Labcorp
Classification: Likely pathogenic for Familial cancer of breast. Last evaluated: 2025-12-17. Review status: criteria provided, single submitter. Criteria: Invitae Variant Classification Sherloc (09022015). Collection method: clinical testing. Allele origin: germline.
Comment: This sequence change affects a donor splice site in intron 2 of the CHEK2 gene. RNA analysis indicates that disruption of this splice site induces altered splicing and is likely to result in the loss of the initiator methionine. This variant is present in population databases (rs587782401, gnomAD 0.06%), and has an allele count higher than expected for a pathogenic variant. Disruption of this splice site has been observed in individual(s) with thyroid cancer, colorectal cancer, prostate cancer, and breast and/or ovarian cancer (PMID: 26681312, 27696107, 28608266, 30333958, 30927251, 31882575, 31948886, 35980532, 36551643, 37563628, 38201513). ClinVar contains an entry for this variant (Variation ID: 142352). Studies have shown that disruption of this splice site results in skipping of exon 2, and is expected to result in the loss of the initiator methionine (PMID: 37725924; internal data). In summary, the currently available evidence indicates that the variant is pathogenic, but additional data are needed to prove that conclusively. Therefore, this variant has been classified as Likely Pathogenic.

Dasa
Classification: Pathogenic. Last evaluated: 2025-12-02. Review status: criteria provided, single submitter. Criteria: DASA Assertion Criteria. Collection method: clinical testing. Allele origin: germline.
Comment: NM_007194.4(CHEK2):c.319+2T>A affects a canonical splice site and is predicted to disrupt normal RNA splicing, leading to loss of normal protein function. Loss-of-function is an established mechanism of disease for this gene. Functional evidence supports a deleterious effect on the gene or gene product (PMID: 37725924). This variant has been reported in individuals with related phenotype (PMID: 37725924). The variant is present at low frequency in population datasets. Based on the available data, this variant is classified as pathogenic.

CeGaT Center for Human Genetics Tuebingen
Classification: Pathogenic. Last evaluated: 2025-07-01. Review status: criteria provided, single submitter. Criteria: CeGaT Center For Human Genetics Tuebingen Variant Classification Criteria Version 2. Collection method: clinical testing. Allele origin: germline. Affected: yes. Observed: 2 variant alleles.
Comment: CHEK2: PVS1, PM2, PS4:Moderate

Molecular Diagnostics Laboratory, Catalan Institute of Oncology
Classification: Likely pathogenic for Hereditary cancer-predisposing syndrome. Last evaluated: 2025-06-16. Review status: criteria provided, single submitter. Criteria: ACMG Guidelines, 2015. Collection method: clinical testing. Allele origin: germline.
Comment: PVS1, PS4_Supporting c.319+2T>A is an intronic variant located in a canonic splicing site of the CHEK2 gene, is predicted to alter splicing. The SpliceAI algorithm predicts the deletion of the natural donor site, generating the skipping of the coding exon 1 (out of frame) and the skipping of the first methionine (PVS1). The variant allele was found in 14/117720 alleles, with a filter allele frequency of 0.006% at 99% confidence in the gnomAD v2.1.1 database (European non-Finnish non-cancer data set). Nurmi 2019 found the variant in 15/25102 chromosomes in a Finish population, showing an association with elevated risk of breast cancer OR=5.4 (5/563; IC 95%: 1,58-18,45) (PS4_Supporting). The variant was also identified in ClinVar (6x pathogenic, 11x likely pathogenic) and LOVD (2x not classified, 1x pathogenic) databases. To our knowledge, no experimental evidence demonstrating an impact on protein function has been reported. Based on currently available information, the variant c.319+2T>A is classified as a likely pathogenic variant according to ACMG guidelines.

Institute for Genomic Medicine (IGM) Clinical Laboratory, Nationwide Children's Hospital
Classification: Pathogenic for CHEK2-related cancer predisposition. Last evaluated: 2025-03-19. Review status: criteria provided, single submitter. Criteria: ACMG Guidelines, 2015. Collection method: clinical testing. Allele origin: germline.
Comment: This variant is predicted to result in loss of function through nonsense-mediated decay of the encoded transcript or premature truncation of the encoded protein in a gene in which loss of function is a known mechanism of disease (ACMG/AMP: PVS1; PMIDs:26681312, 31948886, 36551643). Well-established functional studies have demonstrated this variant to have a damaging effect on protein function or splicing (ACMG/AMP: PS3_Moderate; PMID:37725924). This variant has been reported at an elevated frequency in affected individuals/in multiple affected individuals in the literature (ACMG/AMP: PS4; PMIDs:26681312, 27696107, 28608266, 30333958, 30927251, 31882575, 31948886, 35980532, 36551643, 38201513).

Blueprint Genetics
Classification: Likely pathogenic for CHEK2-related disorders. Last evaluated: 2024-11-19. Review status: criteria provided, single submitter. Criteria: ACMG Guidelines, 2015. Collection method: clinical testing. Allele origin: germline. Affected: yes. Observed: 5 variant alleles.

Color Diagnostics, LLC DBA Color Health
Classification: Likely pathogenic for Hereditary cancer-predisposing syndrome. Last evaluated: 2024-11-17. Review status: criteria provided, single submitter. Criteria: ACMG Guidelines, 2015. Collection method: clinical testing. Allele origin: germline.
Comment: This variant causes a T>A nucleotide substitution at the +2 position of intron 2 of the CHEK2 gene. Computational splicing tools predict that this variant may have a significant impact on RNA splicing. RNA studies have been reported that this variant results in the skipping of exon 2 and the removal of the translation start codon (PMID: 37725924, ClinVar: SCV000633168.9). This variant has been reported in individuals affected with breast cancer (PMID: 26681312, 28608266, 30333958, 31882575, 33471991, 35314380, 36551643). This variant has been identified in 29/282228 chromosomes in the general population by the Genome Aggregation Database (gnomAD). Loss of CHEK2 function is a known mechanism of disease. Based on available evidence, this variant is classified as Likely Pathogenic.